The following is an entry in ClinVar:

NM_002074.5(GNB1):c.289T>C (p.Ser97Pro)

Gene: GNB1 (G protein subunit beta 1; minus strand). Cytogenetic location: 1p36.33.
Variant type: single nucleotide variant.
Coding change: c.289T>C on transcript NM_002074.5 (MANE Select); coding-DNA position 289, T replaced by C.
Protein change: p.Ser97Pro; replaces serine 97 with proline.
Molecular consequence: missense variant. On other transcripts: 5 prime UTR variant (1).
Genome position (GRCh38, 1-based): chr1:1,804,560, A>G on the plus strand (T>C on the coding strand, the complement: GNB1 is on the minus strand). VCF-style: chr1-1804560-A-G. GRCh37 (hg19) VCF-style: chr1-1735999-A-G.
Other names: c.-12T>C (NM_001282538.2); c.289T>C, p.Ser97Pro (NM_001282539.2); short protein forms S97P.
Identifiers: ClinVar variation 4294376 (VCV004294376.1).

ClinVar aggregate classification (germline): Likely pathogenic (1 of 4 stars; one submission).

Conditions:
Intellectual developmental disorder, autosomal dominant 42. Also called: GNB1 Encephalopathy; Intellectual disability, autosomal dominant 42; Global developmental delay-neuro-ophthalmological abnormalities-seizures-intellectual disability syndrome. Identifiers: Orphanet 488613, MedGen C4310774, MONDO:0014855, OMIM 616973.

Submission:

Laboratoire Génétique Moléculaire, CHRU TOURS
Classification: Likely pathogenic for Intellectual developmental disorder, autosomal dominant 42. Last evaluated: 2024-05-23. Review status: criteria provided, single submitter. Criteria: ACMG Guidelines, 2015. Collection method: clinical testing. Allele origin: de novo. Affected: yes.
Comment: PS2;PM2;PP3